The following is an entry in ClinVar:

NM_032638.5(GATA2):c.1018-26_1033delinsAGC

Gene: GATA2 (GATA binding protein 2; minus strand). Cytogenetic location: 3q21.3.
Variant type: Indel.
Coding change: c.1018-26_1033delinsAGC on transcript NM_032638.5 (MANE Select); 26 bases into the intron before coding-DNA position 1018 through coding-DNA position 1033, the reference bases replaced by AGC.
Molecular consequence: splice acceptor variant. On other transcripts: intron variant (1).
Genome position (GRCh38, 1-based): chr3:128,481,929-128,481,970, 42 bases replaced. GRCh37 (hg19): chr3:128,200,772-128,200,813.
Other names: c.1018-68_1018-27delinsAGC (NM_001145662.1); c.1018-26_1033delinsAGC (NM_001145661.2).
Identifiers: ClinVar variation 3344640 (VCV003344640.1).

ClinVar aggregate classification (germline): Likely pathogenic (0 of 4 stars; one submission).

Conditions:
GATA2-related disorder. Also called: GATA2-related condition; GATA2-Related Disorders.

Submission:

PreventionGenetics, part of Exact Sciences
Classification: Likely pathogenic for GATA2-related condition. Last evaluated: 2024-06-12. Review status: no assertion criteria provided. Collection method: clinical testing. Allele origin: germline.
Comment: The GATA2 c.1018-26_1033delinsAGC variant is predicted to result in a frameshift and premature protein termination (p.Ala341Profs*42). To our knowledge, this variant has not been reported in the literature or in a large population database, indicating this variant is rare. Frameshift variants in GATA2 are expected to be pathogenic. This variant is interpreted as likely pathogenic.